The following is an entry in ClinVar:

NM_000051.4(ATM):c.3446A>G (p.Asn1149Ser)

Gene: ATM (ATM serine/threonine kinase; plus strand). Cytogenetic location: 11q22.3.
Variant type: single nucleotide variant.
Coding change: c.3446A>G on transcript NM_000051.4 (MANE Select); coding-DNA position 3446, A replaced by G.
Protein change: p.Asn1149Ser; replaces asparagine 1149 with serine.
Molecular consequence: missense variant.
Genome position (GRCh38, 1-based): chr11:108,281,038, A>G. VCF-style: chr11-108281038-A-G. GRCh37 (hg19) VCF-style: chr11-108151765-A-G.
Other names: c.3446A>G, p.Asn1149Ser (NM_001351834.2); short protein forms N1149S.
Identifiers: ClinVar variation 453468 (VCV000453468.19), dbSNP rs1414846775, ClinGen allele CA382519265.

ClinVar aggregate classification (germline): Uncertain significance. Review status: criteria provided, multiple submitters, no conflicts (2 of 4 stars). 3 submissions from 3 submitters: Uncertain significance (2). 1 of the submissions does not count toward it. Last evaluated 2025-11-17.

Conditions:
Hereditary cancer-predisposing syndrome. Also called: Tumor predisposition; Hereditary Cancer Syndrome; Neoplastic Syndromes, Hereditary; Hereditary neoplastic syndrome. Identifiers: Orphanet 140162, MedGen C0027672, MeSH D009386, MONDO:0015356.
Ataxia-telangiectasia syndrome (AT). Also called: Cerebello-oculocutaneous telangiectasia; Immunodeficiency with ataxia telangiectasia; Ataxia-telangiectasia, complementation group D; AT, COMPLEMENTATION GROUP C; Ataxia-telangiectasia, complementation group E; LOUIS-BAR SYNDROME. Identifiers: Orphanet 100, MedGen C0004135, MONDO:0008840, OMIM 208900.

Allele frequency attached by ClinVar (database versions not stated): gnomAD exomes 0.00002.
gnomAD v4.1: 4 of 1,613,664 alleles (0.00025%); highest among the groups gnomAD compares: Admixed American, 0.0017%; no homozygotes.

Submissions (3):

Labcorp Genetics (formerly Invitae), Labcorp
Classification: Uncertain significance for Ataxia-telangiectasia syndrome. Last evaluated: 2025-11-17. Review status: criteria provided, single submitter. Criteria: Invitae Variant Classification Sherloc (09022015). Collection method: clinical testing. Allele origin: germline.
Comment: This sequence change replaces asparagine, which is neutral and polar, with serine, which is neutral and polar, at codon 1149 of the ATM protein (p.Asn1149Ser). This variant is present in population databases (no rsID available, gnomAD 0.006%). This variant has not been reported in the literature in individuals affected with ATM-related conditions. ClinVar contains an entry for this variant (Variation ID: 453468). Invitae Evidence Modeling of protein sequence and biophysical properties (such as structural, functional, and spatial information, amino acid conservation, physicochemical variation, residue mobility, and thermodynamic stability) indicates that this missense variant is not expected to disrupt ATM protein function with a negative predictive value of 95%. In summary, the available evidence is currently insufficient to determine the role of this variant in disease. Therefore, it has been classified as a Variant of Uncertain Significance.

Ambry Genetics
Classification: Uncertain significance for Hereditary cancer-predisposing syndrome. Last evaluated: 2025-09-10. Review status: criteria provided, single submitter. Criteria: Ambry Variant Classification Scheme 2023. Collection method: clinical testing. Allele origin: germline.
Comment: The p.N1149S variant (also known as c.3446A>G), located in coding exon 23 of the ATM gene, results from an A to G substitution at nucleotide position 3446. The asparagine at codon 1149 is replaced by serine, an amino acid with highly similar properties. This amino acid position is highly conserved in available vertebrate species. In addition, this alteration is predicted to be tolerated by in silico analysis. Since supporting evidence is limited at this time, the clinical significance of this alteration remains unclear.

Natera, Inc.
Classification: Uncertain significance for Ataxia-telangiectasia. Last evaluated: 2019-10-28. Review status: no assertion criteria provided. Collection method: clinical testing. Allele origin: germline. Not counted in ClinVar's aggregate classification.